The following is an entry in ClinVar:

ClinVar aggregate classification (germline): Uncertain significance (1 of 4 stars; one submission).

Conditions:
Inborn genetic diseases. Identifiers: MedGen C0950123, MeSH D030342.

gnomAD v4.1: 1 of 1,612,060 alleles (0.000062%); highest among the groups gnomAD compares: Non-Finnish European, 0.000085%; no homozygotes.

Submission:

Ambry Genetics
Classification: Uncertain significance for Inborn genetic diseases. Last evaluated: 2025-09-01. Review status: criteria provided, single submitter. Criteria: Ambry Variant Classification Scheme 2023. Collection method: clinical testing. Allele origin: germline.
Comment: The p.A544G variant (also known as c.1631C>G), located in coding exon 18 of the RTEL1 gene, results from a C to G substitution at nucleotide position 1631. The alanine at codon 544 is replaced by glycine, an amino acid with similar properties. This amino acid position is conserved. In addition, this alteration is predicted to be tolerated by in silico analysis. Based on the available evidence, the clinical significance of this variant remains unclear.

NM_001283009.2(RTEL1):c.1631C>G (p.Ala544Gly)

Genes: RTEL1 (regulator of telomere elongation helicase 1; plus strand), RTEL1-TNFRSF6B (RTEL1-TNFRSF6B readthrough (NMD candidate); plus strand). Cytogenetic location: 20q13.33.
Variant type: single nucleotide variant.
Coding change: c.1631C>G on transcript NM_001283009.2 (MANE Select); coding-DNA position 1631, C replaced by G.
Protein change: p.Ala544Gly; replaces alanine 544 with glycine.
Molecular consequence: missense variant. On other transcripts: non-coding transcript variant (1).
Genome position (GRCh38, 1-based): chr20:63,688,174, C>G. VCF-style: chr20-63688174-C-G. GRCh37 (hg19) VCF-style: chr20-62319527-C-G.
Other names: c.962C>G, p.Ala321Gly (NM_001283010.1); c.1631C>G, p.Ala544Gly (NM_016434.4); c.1703C>G, p.Ala568Gly (NM_032957.5); short protein forms A544G, A321G, A568G.
Identifiers: ClinVar variation 4157719 (VCV004157719.1).